The following is an entry in ClinVar:

NM_001035.3(RYR2):c.7604T>C (p.Phe2535Ser)

Gene: RYR2 (ryanodine receptor 2; plus strand). Cytogenetic location: 1q43.
Variant type: single nucleotide variant.
Coding change: c.7604T>C on transcript NM_001035.3 (MANE Select); coding-DNA position 7604, T replaced by C.
Protein change: p.Phe2535Ser; replaces phenylalanine 2535 with serine.
Molecular consequence: missense variant.
Genome position (GRCh38, 1-based): chr1:237,649,968, T>C. VCF-style: chr1-237649968-T-C. GRCh37 (hg19) VCF-style: chr1-237813268-T-C.
Other names: short protein forms F2535S.
Identifiers: ClinVar variation 3692173 (VCV003692173.2).

ClinVar aggregate classification (germline): Uncertain significance (1 of 4 stars; one submission).

Conditions:
Catecholaminergic polymorphic ventricular tachycardia 1. Also called: VENTRICULAR TACHYCARDIA, STRESS-INDUCED POLYMORPHIC 1; VENTRICULAR TACHYCARDIA, CATECHOLAMINERGIC POLYMORPHIC, 1, WITH OR WITHOUT ATRIAL DYSFUNCTION AND/OR DILATED CARDIOMYOPATHY; RYR2-Related Catecholaminergic Polymorphic Ventricular Tachycardia. Identifiers: Orphanet 3286, MedGen C1631597, MONDO:0011484, OMIM 604772.

Submission:

Labcorp Genetics (formerly Invitae), Labcorp
Classification: Uncertain significance for Catecholaminergic polymorphic ventricular tachycardia 1. Last evaluated: 2024-10-26. Review status: criteria provided, single submitter. Criteria: Invitae Variant Classification Sherloc (09022015). Collection method: clinical testing. Allele origin: germline.
Comment: This sequence change replaces phenylalanine, which is neutral and non-polar, with serine, which is neutral and polar, at codon 2535 of the RYR2 protein (p.Phe2535Ser). This variant is not present in population databases (gnomAD no frequency). This variant has not been reported in the literature in individuals affected with RYR2-related conditions. Invitae Evidence Modeling of protein sequence and biophysical properties (such as structural, functional, and spatial information, amino acid conservation, physicochemical variation, residue mobility, and thermodynamic stability) indicates that this missense variant is expected to disrupt RYR2 protein function with a positive predictive value of 95%. In summary, the available evidence is currently insufficient to determine the role of this variant in disease. Therefore, it has been classified as a Variant of Uncertain Significance.